The following is an entry in ClinVar:

NM_002693.3(POLG):c.1753T>A (p.Trp585Arg)

Gene: POLG (DNA polymerase gamma, catalytic subunit; minus strand). Cytogenetic location: 15q26.1.
Variant type: single nucleotide variant.
Coding change: c.1753T>A on transcript NM_002693.3 (MANE Select); coding-DNA position 1753, T replaced by A.
Protein change: p.Trp585Arg; replaces tryptophan 585 with arginine.
Molecular consequence: missense variant.
Genome position (GRCh38, 1-based): chr15:89,325,646, A>T on the plus strand (T>A on the coding strand, the complement: POLG is on the minus strand). VCF-style: chr15-89325646-A-T. GRCh37 (hg19) VCF-style: chr15-89868877-A-T.
Other names: c.1753T>A (NM_002693.2); c.1753T>A, p.Trp585Arg (NM_001126131.2); short protein forms W585R.
Identifiers: ClinVar variation 1373283 (VCV001373283.7), dbSNP rs2152065960, ClinGen allele CA393759436.

ClinVar aggregate classification (germline): Uncertain significance. Review status: criteria provided, multiple submitters, no conflicts (2 of 4 stars). 2 submissions from 2 submitters: Uncertain significance (2). Last evaluated 2023-12-21.

Conditions:
Progressive sclerosing poliodystrophy (MTDPS4A). Also called: Mitochondrial DNA depletion syndrome 4A (Alpers type); ALPERS PROGRESSIVE INFANTILE POLIODYSTROPHY; NEURONAL DEGENERATION OF CHILDHOOD WITH LIVER DISEASE, PROGRESSIVE; Mitochondrial DNA Depletion Syndrome 4A; Alpers-Huttenlocher Syndrome (AHS); Alpers Syndrome. Identifiers: Orphanet 726, MedGen C0205710, MONDO:0008758, OMIM 203700.
Inborn genetic diseases. Identifiers: MedGen C0950123, MeSH D030342.

Submissions (2):

Ambry Genetics
Classification: Uncertain significance for Inborn genetic diseases. Last evaluated: 2023-12-21. Review status: criteria provided, single submitter. Criteria: Ambry Variant Classification Scheme 2023. Collection method: clinical testing. Allele origin: germline.

Labcorp Genetics (formerly Invitae), Labcorp
Classification: Uncertain significance for Progressive sclerosing poliodystrophy. Last evaluated: 2023-04-10. Review status: criteria provided, single submitter. Criteria: Invitae Variant Classification Sherloc (09022015). Collection method: clinical testing. Allele origin: germline.
Comment: This sequence change replaces tryptophan, which is neutral and slightly polar, with arginine, which is basic and polar, at codon 585 of the POLG protein (p.Trp585Arg). This variant is not present in population databases (gnomAD no frequency). This variant has not been reported in the literature in individuals affected with POLG-related conditions. ClinVar contains an entry for this variant (Variation ID: 1373283). Advanced modeling of protein sequence and biophysical properties (such as structural, functional, and spatial information, amino acid conservation, physicochemical variation, residue mobility, and thermodynamic stability) performed at Invitae indicates that this missense variant is expected to disrupt POLG protein function. In summary, the available evidence is currently insufficient to determine the role of this variant in disease. Therefore, it has been classified as a Variant of Uncertain Significance.